The following is an entry in ClinVar:

NM_002016.2(FLG):c.4700G>A (p.Arg1567Gln)

Genes: CCDST (cervical cancer associated DHX9 suppressive transcript; plus strand), FLG (filaggrin; minus strand). Cytogenetic location: 1q21.3.
Variant type: single nucleotide variant.
Coding change: c.4700G>A on transcript NM_002016.2 (MANE Select); coding-DNA position 4700, G replaced by A.
Protein change: p.Arg1567Gln; replaces arginine 1567 with glutamine.
Molecular consequence: missense variant.
Genome position (GRCh38, 1-based): chr1:152,310,186, C>T on the plus strand (G>A on the coding strand, the complement: FLG is on the minus strand). VCF-style: chr1-152310186-C-T. GRCh37 (hg19) VCF-style: chr1-152282662-C-T.
Other names: short protein forms R1567Q.
Identifiers: ClinVar variation 3376423 (VCV003376423.1).

ClinVar aggregate classification (germline): Uncertain significance (1 of 4 stars; one submission).

Conditions:
Ichthyosis vulgaris. Also called: Dominant ichthyosis vulgaris; ICHTHYOSIS SIMPLEX. Identifiers: MedGen C0079584, MONDO:0024304, OMIM 146700.

gnomAD v4.1: 63 of 1,613,828 alleles (0.0039%); highest among the groups gnomAD compares: East Asian, 0.04%; no homozygotes.

Submission:

Pittsburgh Clinical Genomics Laboratory, University of Pittsburgh Medical Center
Classification: Uncertain significance for Ichthyosis vulgaris. Last evaluated: 2024-06-05. Review status: criteria provided, single submitter. Criteria: ACMG Guidelines, 2015. Collection method: clinical testing. Allele origin: germline. Inheritance: Autosomal unknown. Affected: yes.
Comment: This sequence variant is a single nucleotide substitution (G>A) at position 4700 of the coding sequence of the FLG gene that results in an arginine to glutamine amino acid change at residue 1567 of the filaggrin protein. This residue falls in the filaggrin 9 domain (Uniprot). This variant is absent from ClinVar. This variant was observed once in a study of individuals affected by leprosy; however, the variant was twice as common in the control group of this same study (PMID: 29706348). This variant is present in 63 of 1,613,828 alleles (0.004%) in the gnomAD v4.1.0 population dataset. Multiple bioinformatic tools predict that this amino acid change would be neutral, and the Arg1567 residue at this position is poorly conserved across the vertebrate species examined. Studies examining the functional consequence of this variant have not been published, to our knowledge. At this time, there is insufficient evidence to determine if this variant is pathogenic or benign. Therefore, we consider this a variant of uncertain significance. ACMG Criteria: BP4, PM2

Literature cited by the submitters: PubMed 29706348.